The following is an entry in ClinVar:

NM_001379403.1(WDR26):c.988C>G (p.Leu330Val)

Gene: WDR26 (WD repeat domain 26; minus strand). Cytogenetic location: 1q42.12.
Variant type: single nucleotide variant.
Coding change: c.988C>G on transcript NM_001379403.1 (MANE Select); coding-DNA position 988, C replaced by G.
Protein change: p.Leu330Val; replaces leucine 330 with valine.
Molecular consequence: missense variant.
Genome position (GRCh38, 1-based): chr1:224,424,594, G>C on the plus strand (C>G on the coding strand, the complement: WDR26 is on the minus strand). VCF-style: chr1-224424594-G-C. GRCh37 (hg19) VCF-style: chr1-224612296-G-C.
Other names: c.640C>G, p.Leu214Val (NM_001115113.3); c.688C>G, p.Leu230Val (NM_025160.7); short protein forms L214V, L230V, L330V.
Identifiers: ClinVar variation 1304362 (VCV001304362.2), dbSNP rs921233431, ClinGen allele CA344751112.

ClinVar aggregate classification (germline): Uncertain significance (1 of 4 stars; one submission).

Submission:

GeneDx
Classification: Uncertain significance. Last evaluated: 2018-12-06. Review status: criteria provided, single submitter. Criteria: GeneDx Variant Classification Process June 2021. Collection method: clinical testing. Allele origin: germline. Affected: yes.
Comment: Not observed in large population cohorts (Lek et al., 2016); In silico analysis, which includes protein predictors and evolutionary conservation, supports that this variant does not alter protein structure/function; Has not been previously published as pathogenic or benign to our knowledge